The following is an entry in ClinVar:

ClinVar aggregate classification (germline): Likely benign. Review status: criteria provided, multiple submitters, no conflicts (2 of 4 stars). 4 submissions from 4 submitters: Likely benign (3). 1 of the submissions does not count toward it. Last evaluated 2024-04-02.

Conditions:
Nephronophthisis 16 (NPHP16). Identifiers: Orphanet 655, MedGen C3809320, MONDO:0014158, OMIM 615382.
ANKS6-related disorder. Also called: ANKS6-related condition.

Allele frequency attached by ClinVar (database versions not stated): ExAC 0.00004; gnomAD exomes 0.00004; ESP Exome Variant Server 0.00008; gnomAD 0.00030 and 0.00031; TOPMed 0.00032.
gnomAD v4.1: 98 of 1,613,548 alleles (0.0061%); highest among the groups gnomAD compares: African/African-American, 0.083%; no homozygotes.

Submissions (4):

Labcorp Genetics (formerly Invitae), Labcorp
Classification: Likely benign for Nephronophthisis 16. Last evaluated: 2024-04-02. Review status: criteria provided, single submitter. Criteria: Invitae Variant Classification Sherloc (09022015). Collection method: clinical testing. Allele origin: germline.

Fulgent Genetics
Classification: Likely benign for Nephronophthisis 16. Last evaluated: 2021-12-30. Review status: criteria provided, single submitter. Criteria: ACMG Guidelines, 2015. Collection method: clinical testing. Allele origin: unknown.

Breakthrough Genomics
Classification: Likely benign. Review status: criteria provided, single submitter. Criteria: ACMG Guidelines, 2015. Collection method: not provided. Allele origin: germline. Inheritance: Autosomal recessive inheritance. Affected: yes.

PreventionGenetics, part of Exact Sciences
Classification: Likely benign for ANKS6-related condition. Last evaluated: 2023-09-15. Review status: no assertion criteria provided. Collection method: clinical testing. Allele origin: germline. Not counted in ClinVar's aggregate classification.
Comment: This variant is classified as likely benign based on ACMG/AMP sequence variant interpretation guidelines (Richards et al. 2015 PMID: 25741868, with internal and published modifications).

NM_173551.5(ANKS6):c.498C>T (p.Ala166=)

Gene: ANKS6 (ankyrin repeat and sterile alpha motif domain containing 6; minus strand). Cytogenetic location: 9q22.33.
Variant type: single nucleotide variant.
Coding change: c.498C>T on transcript NM_173551.5 (MANE Select); coding-DNA position 498, C replaced by T.
Protein change: p.Ala166=; no amino-acid change (alanine 166 retained).
Molecular consequence: synonymous variant.
Genome position (GRCh38, 1-based): chr9:98,790,468, G>A on the plus strand (C>T on the coding strand, the complement: ANKS6 is on the minus strand). VCF-style: chr9-98790468-G-A. GRCh37 (hg19) VCF-style: chr9-101552750-G-A.
Identifiers: ClinVar variation 759565 (VCV000759565.10), dbSNP rs374209515, ClinGen allele CA5153833.